The following is an entry in ClinVar:

ClinVar aggregate classification (germline): Uncertain significance. Review status: criteria provided, multiple submitters, no conflicts (2 of 4 stars). 2 submissions from 2 submitters: Uncertain significance (2). Last evaluated 2024-09-03.

Conditions:
Hereditary cancer-predisposing syndrome. Also called: Neoplastic Syndromes, Hereditary; Tumor predisposition; Hereditary Cancer Syndrome; Hereditary neoplastic syndrome. Identifiers: Orphanet 140162, MedGen C0027672, MeSH D009386, MONDO:0015356.
DICER1-related tumor predisposition. Also called: DICER1-related pleuropulmonary blastoma cancer predisposition syndrome; DICER1 syndrome. Identifiers: Orphanet 284343, MedGen C3839822, MONDO:0100216.

Submissions (2):

Ambry Genetics
Classification: Uncertain significance for Hereditary cancer-predisposing syndrome. Last evaluated: 2024-09-03. Review status: criteria provided, single submitter. Criteria: Ambry Variant Classification Scheme 2023. Collection method: clinical testing. Allele origin: germline.
Comment: The p.S364L variant (also known as c.1091C>T), located in coding exon 7 of the DICER1 gene, results from a C to T substitution at nucleotide position 1091. The serine at codon 364 is replaced by leucine, an amino acid with dissimilar properties. This amino acid position is highly conserved in available vertebrate species. In addition, the in silico prediction for this alteration is inconclusive. Based on the available evidence, the clinical significance of this variant remains unclear.

Labcorp Genetics (formerly Invitae), Labcorp
Classification: Uncertain significance for DICER1-related tumor predisposition. Last evaluated: 2020-03-16. Review status: criteria provided, single submitter. Criteria: Invitae Variant Classification Sherloc (09022015). Collection method: clinical testing. Allele origin: germline.
Comment: In summary, the available evidence is currently insufficient to determine the role of this variant in disease. Therefore, it has been classified as a Variant of Uncertain Significance. Algorithms developed to predict the effect of missense changes on protein structure and function (SIFT, PolyPhen-2, Align-GVGD) all suggest that this variant is likely to be disruptive, but these predictions have not been confirmed by published functional studies and their clinical significance is uncertain. This variant has not been reported in the literature in individuals with DICER1-related disease. This variant is not present in population databases (ExAC no frequency). This sequence change replaces serine with leucine at codon 364 of the DICER1 protein (p.Ser364Leu). The serine residue is highly conserved and there is a large physicochemical difference between serine and leucine.

NM_177438.3(DICER1):c.1091C>T (p.Ser364Leu)

Gene: DICER1 (dicer 1, ribonuclease III; minus strand). Cytogenetic location: 14q32.13.
Variant type: single nucleotide variant.
Coding change: c.1091C>T on transcript NM_177438.3 (MANE Select); coding-DNA position 1091, C replaced by T.
Protein change: p.Ser364Leu; replaces serine 364 with leucine.
Molecular consequence: missense variant.
Genome position (GRCh38, 1-based): chr14:95,124,481, G>A on the plus strand (C>T on the coding strand, the complement: DICER1 is on the minus strand). VCF-style: chr14-95124481-G-A. GRCh37 (hg19) VCF-style: chr14-95590818-G-A.
Other names: c.1091C>T, p.Ser364Leu (NM_001195573.1, NM_001271282.3, NM_001291628.2 and 1 more transcripts); short protein forms S364L.
Identifiers: ClinVar variation 543621 (VCV000543621.15), dbSNP rs1555374748, ClinGen allele CA390886975.
Genomic context (GRCh38, chr14:95,124,481, plus strand): 5'-AAGATTTCGAGCAGTTTGATTACTTTAGGAGTTACAAATTTCAGGTCAAGTGAGGCAGGT[G>A]AGAAGTGCTCTTCACATAGTGCATGTATTTTCCTTAGGAAAGTGTCTGTAAACAATAAAA-3'
Protein context (NP_803187.1, residues 354-374): KIHALCEEHF[Ser364Leu]PASLDLKFVT